The following is an entry in ClinVar:

NM_006904.7(PRKDC):c.7951+5C>T

Gene: PRKDC (protein kinase, DNA-activated, catalytic subunit; minus strand). Cytogenetic location: 8q11.21.
Variant type: single nucleotide variant.
Coding change: c.7951+5C>T on transcript NM_006904.7 (MANE Select); 5 bases into the intron after coding-DNA position 7951, C replaced by T.
Molecular consequence: intron variant.
Genome position (GRCh38, 1-based): chr8:47,836,333, G>A on the plus strand (C>T on the coding strand, the complement: PRKDC is on the minus strand). VCF-style: chr8-47836333-G-A. GRCh37 (hg19) VCF-style: chr8-48748894-G-A.
Other names: c.7951+5C>T (NM_001081640.2).
Identifiers: ClinVar variation 2003321 (VCV002003321.4), dbSNP rs956693514, ClinGen allele CA176155897.

ClinVar aggregate classification (germline): Uncertain significance (1 of 4 stars; one submission).

Conditions:
Severe combined immunodeficiency due to DNA-PKcs deficiency. Also called: Immunodeficiency 26 with or without neurologic abnormalities; IMMUNODEFICIENCY 26 WITH NEUROLOGIC ABNORMALITIES. Identifiers: Orphanet 317425, MedGen C4014833, MONDO:0014423, OMIM 615966.

Allele frequency attached by ClinVar (database versions not stated): TOPMed 0.00001.
gnomAD v4.1: 4 of 1,562,916 alleles (0.00026%); highest among the groups gnomAD compares: African/African-American, 0.0014%; no homozygotes.

Submission:

Labcorp Genetics (formerly Invitae), Labcorp
Classification: Uncertain significance for Severe combined immunodeficiency due to DNA-PKcs deficiency. Last evaluated: 2022-06-08. Review status: criteria provided, single submitter. Criteria: Invitae Variant Classification Sherloc (09022015). Collection method: clinical testing. Allele origin: germline.
Comment: This sequence change falls in intron 58 of the PRKDC gene. It does not directly change the encoded amino acid sequence of the PRKDC protein. It affects a nucleotide within the consensus splice site. In summary, the available evidence is currently insufficient to determine the role of this variant in disease. Therefore, it has been classified as a Variant of Uncertain Significance. Variants that disrupt the consensus splice site are a relatively common cause of aberrant splicing (PMID: 17576681, 9536098). Experimental studies and prediction algorithms are not available or were not evaluated, and the effect of this variant on mRNA splicing is currently unknown. This variant has not been reported in the literature in individuals affected with PRKDC-related conditions. This variant is present in population databases (no rsID available, gnomAD 0.001%).

Literature cited by the submitters: PubMed 17576681; PubMed 9536098.